The following is an entry in ClinVar:

NM_000482.4(APOA4):c.481G>T (p.Ala161Ser)

Gene: APOA4 (apolipoprotein A4; minus strand). Cytogenetic location: 11q23.3.
Variant type: single nucleotide variant.
Coding change: c.481G>T on transcript NM_000482.4 (MANE Select); coding-DNA position 481, G replaced by T.
Protein change: p.Ala161Ser; replaces alanine 161 with serine.
Molecular consequence: missense variant.
Genome position (GRCh38, 1-based): chr11:116,821,577, C>A on the plus strand (G>T on the coding strand, the complement: APOA4 is on the minus strand). VCF-style: chr11-116821577-C-A. GRCh37 (hg19) VCF-style: chr11-116692293-C-A.
Other names: short protein forms A161S.
Identifiers: ClinVar variation 1601220 (VCV001601220.12), dbSNP rs12721043, ClinGen allele CA6289408.

ClinVar aggregate classification (germline): Benign. Review status: criteria provided, multiple submitters, no conflicts (2 of 4 stars). 3 submissions from 3 submitters: Benign (3). Last evaluated 2026-09-01.

Allele frequency attached by ClinVar (database versions not stated): 1000 Genomes Project 30x 0.00250; 1000 Genomes Project 0.00260; ESP Exome Variant Server 0.00785.

Submissions (3):

CeGaT Center for Human Genetics Tuebingen
Classification: Benign. Last evaluated: 2026-09-01. Review status: criteria provided, single submitter. Criteria: CeGaT Center For Human Genetics Tuebingen Variant Classification Criteria Version 2. Collection method: clinical testing. Allele origin: germline. Affected: yes. Observed: 3 variant alleles.
Comment: APOA4: BP4, BS1, BS2

Labcorp Genetics (formerly Invitae), Labcorp
Classification: Benign. Last evaluated: 2026-01-09. Review status: criteria provided, single submitter. Criteria: Invitae Variant Classification Sherloc (09022015). Collection method: clinical testing. Allele origin: germline.

Breakthrough Genomics
Classification: Benign. Review status: criteria provided, single submitter. Criteria: ACMG Guidelines, 2015. Collection method: not provided. Allele origin: germline. Inheritance: Unknown mechanism. Affected: yes.